The following is an entry in ClinVar:

NM_014639.4(SKIC3):c.1721A>G (p.Tyr574Cys)

Gene: SKIC3 (SKI3 subunit of superkiller complex; minus strand). Cytogenetic location: 5q15.
Variant type: single nucleotide variant.
Coding change: c.1721A>G on transcript NM_014639.4 (MANE Select); coding-DNA position 1721, A replaced by G.
Protein change: p.Tyr574Cys; replaces tyrosine 574 with cysteine.
Molecular consequence: missense variant.
Genome position (GRCh38, 1-based): chr5:95,523,238, T>C on the plus strand (A>G on the coding strand, the complement: SKIC3 is on the minus strand). VCF-style: chr5-95523238-T-C. GRCh37 (hg19) VCF-style: chr5-94858942-T-C.
Other names: short protein forms Y574C.
Identifiers: ClinVar variation 1351604 (VCV001351604.5), dbSNP rs756619065, ClinGen allele CA3347264.

ClinVar aggregate classification (germline): Uncertain significance (1 of 4 stars; one submission).

Allele frequency attached by ClinVar (database versions not stated): TOPMed 0.00002; gnomAD 0.00001; gnomAD exomes 0.00001; ExAC 0.00002.
gnomAD v4.1: 10 of 1,613,798 alleles (0.00062%); highest among the groups gnomAD compares: Middle Eastern, 0.016%; no homozygotes.

Submission:

Labcorp Genetics (formerly Invitae), Labcorp
Classification: Uncertain significance. Last evaluated: 2021-08-27. Review status: criteria provided, single submitter. Criteria: Invitae Variant Classification Sherloc (09022015). Collection method: clinical testing. Allele origin: germline.
Comment: This sequence change replaces tyrosine with cysteine at codon 574 of the TTC37 protein (p.Tyr574Cys). The tyrosine residue is moderately conserved and there is a large physicochemical difference between tyrosine and cysteine. This variant is present in population databases (rs756619065, ExAC 0.003%). This variant has not been reported in the literature in individuals affected with TTC37-related conditions. Algorithms developed to predict the effect of missense changes on protein structure and function are either unavailable or do not agree on the potential impact of this missense change (SIFT: "Deleterious"; PolyPhen-2: "Probably Damaging"; Align-GVGD: "Class C0"). In summary, the available evidence is currently insufficient to determine the role of this variant in disease. Therefore, it has been classified as a Variant of Uncertain Significance.